The following is an entry in ClinVar:

NM_152564.5(VPS13B):c.1981G>A (p.Asp661Asn)

Gene: VPS13B (vacuolar protein sorting 13 homolog B; plus strand). Cytogenetic location: 8q22.2.
Variant type: single nucleotide variant.
Coding change: c.1981G>A on transcript NM_152564.5 (MANE Select); coding-DNA position 1981, G replaced by A.
Protein change: p.Asp661Asn; replaces aspartic acid 661 with asparagine.
Molecular consequence: missense variant.
Genome position (GRCh38, 1-based): chr8:99,147,978, G>A. VCF-style: chr8-99147978-G-A. GRCh37 (hg19) VCF-style: chr8-100160206-G-A.
Other names: c.1981G>A, p.Asp661Asn (NM_015243.3, NM_017890.5); c.1981G>A (NM_152564.4); short protein forms D661N.
Identifiers: ClinVar variation 282709 (VCV000282709.28), dbSNP rs149334616, ClinGen allele CA4822785.

ClinVar aggregate classification (germline): Conflicting classifications of pathogenicity. Review status: criteria provided, conflicting classifications (1 of 4 stars). 8 submissions from 8 submitters: Uncertain significance (5); Benign (1); Likely benign (1). 1 of the submissions does not count toward it. Last evaluated 2026-04-06.

Conditions:
VPS13B-related disorder. Also called: VPS13B-related condition.
Inborn genetic diseases. Identifiers: MedGen C0950123, MeSH D030342.
Cohen syndrome (COH1). Also called: PEPPER SYNDROME; Cutis verticis gyrata, retinitis pigmentosa, and sensorineural deafness. Identifiers: Orphanet 193, MedGen C0265223, MONDO:0008999, OMIM 216550.

Allele frequency attached by ClinVar (database versions not stated): ExAC 0.00035; gnomAD exomes 0.00042; 1000 Genomes Project 30x 0.00047; gnomAD 0.00048 and 0.00049; ESP Exome Variant Server 0.00054; TOPMed 0.00059; 1000 Genomes Project 0.00060.
gnomAD v4.1: 1,055 of 1,613,192 alleles (0.065%); highest among the groups gnomAD compares: Admixed American, 0.082%; no homozygotes.

Submissions (8):

PreventionGenetics, part of Exact Sciences
Classification: Uncertain significance for VPS13B-related condition. Last evaluated: 2026-04-06. Review status: criteria provided, single submitter. Criteria: ACMG Guidelines, 2015. Collection method: clinical testing. Allele origin: germline.
Comment: The VPS13B c.1981G>A variant is predicted to result in the amino acid substitution p.Asp661Asn. This variant has been reported in the heterozygous state in a cohort study of very early onset inflammatory bowel disease (VEO-IBD) (Table S2, Kelsen et al. 2015. PubMed ID: 26193622). However, no additional studies were performed to help assess the pathogenicity of this variant. This variant is reported in 0.067% of alleles in individuals of European (Non-Finnish) descent in gnomAD, which is likely too common to be a primary cause of disease. Although we suspect that this variant may be benign, at this time, the clinical significance is uncertain due to the absence of conclusive functional and genetic evidence.

Labcorp Genetics (formerly Invitae), Labcorp
Classification: Benign for Cohen syndrome. Last evaluated: 2026-01-27. Review status: criteria provided, single submitter. Criteria: Invitae Variant Classification Sherloc (09022015). Collection method: clinical testing. Allele origin: germline.

Blueprint Genetics
Classification: Likely benign. Last evaluated: 2024-11-25. Review status: criteria provided, single submitter. Criteria: ACMG Guidelines, 2015. Collection method: clinical testing. Allele origin: germline.

GeneDx
Classification: Uncertain significance. Last evaluated: 2023-09-08. Review status: criteria provided, single submitter. Criteria: GeneDx Variant Classification Process June 2021. Collection method: clinical testing. Allele origin: germline. Affected: yes.
Comment: Has not been previously published as pathogenic or benign to our knowledge; In silico analysis, which includes protein predictors and evolutionary conservation, supports that this variant does not alter protein structure/function

Ambry Genetics
Classification: Uncertain significance for Inborn genetic diseases. Last evaluated: 2021-03-19. Review status: criteria provided, single submitter. Criteria: Ambry Variant Classification Scheme 2023. Collection method: clinical testing. Allele origin: germline.
Comment: The c.1981G>A (p.D661N) alteration is located in exon 14 (coding exon 13) of the VPS13B gene. This alteration results from a G to A substitution at nucleotide position 1981, causing the aspartic acid (D) at amino acid position 661 to be replaced by an asparagine (N). The p.D661N alteration is predicted to be tolerated by in silico analysis. Based on insufficient or conflicting evidence, the clinical significance of this alteration remains unclear.

Illumina Laboratory Services, Illumina
Classification: Uncertain significance for Cohen syndrome. Last evaluated: 2018-01-13. Review status: criteria provided, single submitter. Criteria: ICSL Variant Classification Criteria 13 December 2019. Collection method: clinical testing. Allele origin: germline.

Eurofins Ntd Llc (ga)
Classification: Uncertain significance. Last evaluated: 2015-09-14. Review status: criteria provided, single submitter. Criteria: EGL Classification Definitions 2015. Collection method: clinical testing. Allele origin: germline. Observed: 1 variant allele, 1 heterozygote.

Natera, Inc.
Classification: Likely benign for Cohen syndrome. Last evaluated: 2020-04-15. Review status: no assertion criteria provided. Collection method: clinical testing. Allele origin: germline. Not counted in ClinVar's aggregate classification.